The following is an entry in ClinVar:

NM_013275.6(ANKRD11):c.1420G>A (p.Asp474Asn)

Gene: ANKRD11 (ankyrin repeat domain 11; minus strand). Cytogenetic location: 16q24.3.
Variant type: single nucleotide variant.
Coding change: c.1420G>A on transcript NM_013275.6 (MANE Select); coding-DNA position 1420, G replaced by A.
Protein change: p.Asp474Asn; replaces aspartic acid 474 with asparagine.
Molecular consequence: missense variant.
Genome position (GRCh38, 1-based): chr16:89,285,122, C>T on the plus strand (G>A on the coding strand, the complement: ANKRD11 is on the minus strand). VCF-style: chr16-89285122-C-T. GRCh37 (hg19) VCF-style: chr16-89351530-C-T.
Other names: c.1420G>A, p.Asp474Asn (NM_001256182.2, NM_001256183.2); short protein forms D474N.
Identifiers: ClinVar variation 2202660 (VCV002202660.4), dbSNP rs370417892, ClinGen allele CA8242777.

ClinVar aggregate classification (germline): Uncertain significance (1 of 4 stars; one submission).

Conditions:
KBG syndrome (KBGS). Also called: ANKRD11-Related KBG Syndrome. Identifiers: Orphanet 2332, MedGen C0220687, MONDO:0007846, OMIM 148050.

Allele frequency attached by ClinVar (database versions not stated): gnomAD exomes 0.00001; ExAC 0.00002; TOPMed 0.00003; ESP Exome Variant Server 0.00008.
gnomAD v4.1: 14 of 1,613,548 alleles (0.00087%); highest among the groups gnomAD compares: East Asian, 0.0067%; no homozygotes.

Submission:

Labcorp Genetics (formerly Invitae), Labcorp
Classification: Uncertain significance for KBG syndrome. Last evaluated: 2022-12-18. Review status: criteria provided, single submitter. Criteria: Invitae Variant Classification Sherloc (09022015). Collection method: clinical testing. Allele origin: germline.
Comment: This sequence change replaces aspartic acid, which is acidic and polar, with asparagine, which is neutral and polar, at codon 474 of the ANKRD11 protein (p.Asp474Asn). This variant is present in population databases (rs370417892, gnomAD 0.01%). This variant has not been reported in the literature in individuals affected with ANKRD11-related conditions. Advanced modeling of protein sequence and biophysical properties (such as structural, functional, and spatial information, amino acid conservation, physicochemical variation, residue mobility, and thermodynamic stability) performed at Invitae indicates that this missense variant is not expected to disrupt ANKRD11 protein function. In summary, the available evidence is currently insufficient to determine the role of this variant in disease. Therefore, it has been classified as a Variant of Uncertain Significance.